The following is an entry in ClinVar:

NC_000023.11:g.(?_32614293)_(32849830_?)dup

Gene: DMD (dystrophin; minus strand). Cytogenetic location: Xp21.1.
Variant type: Duplication.
Identifiers: ClinVar variation 831530 (VCV000831530.1).

ClinVar aggregate classification (germline): Likely pathogenic (1 of 4 stars; one submission).

Conditions:
Duchenne muscular dystrophy (DMD). Also called: Duchenne Muscular Dystrophy (DMD); MUSCULAR DYSTROPHY, PSEUDOHYPERTROPHIC PROGRESSIVE, DUCHENNE TYPE. Identifiers: Orphanet 98896, MedGen C0013264, MONDO:0010679, OMIM 310200.

Submission:

Labcorp Genetics (formerly Invitae), Labcorp
Classification: Likely pathogenic for Duchenne muscular dystrophy. Last evaluated: 2019-12-26. Review status: criteria provided, single submitter. Criteria: Invitae Variant Classification Sherloc (09022015). Collection method: clinical testing. Allele origin: germline.
Comment: This variant results in a copy number gain of the genomic region encompassing exons 3-12 of the DMD gene. While the exact position of this variant cannot be determined from this data, sub-genic copy number gains are generally in tandem (PMID: 25640679). This variant would be expected to be in-frame, preserving the integrity of the reading frame. A similar copy number gain of exons 3-12 has been reported in individuals affected with DMD-related muscular dystrophy (PMID: 16917894, Invitae). This variant has also been reported in an individual affected with Becker muscular dystrophy in the Leiden Open-source Variation Database (PMID: 21520333). In summary, the currently available evidence indicates that the variant is pathogenic, but additional data are needed to prove that conclusively. Therefore, this variant has been classified as Likely Pathogenic.

Literature cited by the submitters: PubMed 16917894; PubMed 21520333.